The following is an entry in ClinVar:

ClinVar aggregate classification (germline): Uncertain significance (1 of 4 stars; one submission).

Submission:

GeneDx
Classification: Uncertain significance. Last evaluated: 2021-01-13. Review status: criteria provided, single submitter. Criteria: GeneDx Variant Classification Process June 2021. Collection method: clinical testing. Allele origin: germline. Affected: yes.
Comment: Not observed in large population cohorts (Lek et al., 2016); In silico analysis supports that this missense variant has a deleterious effect on protein structure/function; Has not been previously published as pathogenic or benign to our knowledge

NM_003482.4(KMT2D):c.14990A>T (p.Gln4997Leu)

Gene: KMT2D (lysine methyltransferase 2D; minus strand). Cytogenetic location: 12q13.12.
Variant type: single nucleotide variant.
Coding change: c.14990A>T on transcript NM_003482.4 (MANE Select); coding-DNA position 14990, A replaced by T.
Protein change: p.Gln4997Leu; replaces glutamine 4997 with leucine.
Molecular consequence: missense variant.
Genome position (GRCh38, 1-based): chr12:49,026,976, T>A on the plus strand (A>T on the coding strand, the complement: KMT2D is on the minus strand). VCF-style: chr12-49026976-T-A. GRCh37 (hg19) VCF-style: chr12-49420759-T-A.
Other names: short protein forms Q4997L.
Identifiers: ClinVar variation 1314049 (VCV001314049.2), dbSNP rs2120365550, ClinGen allele CA384690935.
Genomic context (GRCh38, chr12:49,026,976, plus strand): 5'-CCAAGCTGCTCCATAAACTCTGCCACTTCCCGCTCATCCTCCTGCCGCCCACTGCCCTTC[T>A]GGATGGTCAGCAGCAGCCGAAGCCGCTTCCAGCGCACTCCTTTCCATTTCTTGAGGCGAG-3'
Protein context (NP_003473.3, residues 4987-5007): WKRLRLLLTI[Gln4997Leu]KGSGRQEDER